The following is an entry in ClinVar:

ClinVar aggregate classification (germline): Uncertain significance (1 of 4 stars; one submission).

Submission:

Labcorp Genetics (formerly Invitae), Labcorp
Classification: Uncertain significance. Last evaluated: 2022-03-27. Review status: criteria provided, single submitter. Criteria: Invitae Variant Classification Sherloc (09022015). Collection method: clinical testing. Allele origin: germline.
Comment: This variant has not been reported in the literature in individuals affected with TTC37-related conditions. This variant is not present in population databases (gnomAD no frequency). This sequence change replaces glycine, which is neutral and non-polar, with valine, which is neutral and non-polar, at codon 228 of the TTC37 protein (p.Gly228Val). Algorithms developed to predict the effect of missense changes on protein structure and function (SIFT, PolyPhen-2, Align-GVGD) all suggest that this variant is likely to be tolerated. In summary, the available evidence is currently insufficient to determine the role of this variant in disease. Therefore, it has been classified as a Variant of Uncertain Significance.

NM_014639.4(SKIC3):c.683G>T (p.Gly228Val)

Gene: SKIC3 (SKI3 subunit of superkiller complex; minus strand). Cytogenetic location: 5q15.
Variant type: single nucleotide variant.
Coding change: c.683G>T on transcript NM_014639.4 (MANE Select); coding-DNA position 683, G replaced by T.
Protein change: p.Gly228Val; replaces glycine 228 with valine.
Molecular consequence: missense variant.
Genome position (GRCh38, 1-based): chr5:95,536,885, C>A on the plus strand (G>T on the coding strand, the complement: SKIC3 is on the minus strand). VCF-style: chr5-95536885-C-A. GRCh37 (hg19) VCF-style: chr5-94872589-C-A.
Other names: short protein forms G228V.
Identifiers: ClinVar variation 2118565 (VCV002118565.4), dbSNP rs2530796310, ClinGen allele CA360440583.
Genomic context (GRCh38, chr5:95,536,885, plus strand): 5'-ATTAAATGCAAACAAAGCACTTCTAATGGATACTGTACAGTAGGATAGATGTTTATCATT[C>A]CTTCACAGGCCTTCTTCAATCTAGCAGACTCATGAGGAAACTTGAAAATATAAAAGCAAA-3'
Protein context (NP_055454.1, residues 218-238): ESARLKKACE[Gly228Val]MINIYPTVQY